The following is an entry in ClinVar:

NM_001417890.1(NKRF):c.222C>G (p.Leu74=)

Gene: NKRF (NFKB repressing factor; minus strand). Cytogenetic location: Xq24.
Variant type: single nucleotide variant.
Coding change: c.222C>G on transcript NM_001417890.1 (MANE Select); coding-DNA position 222, C replaced by G.
Protein change: p.Leu74=; no amino-acid change (leucine 74 retained).
Molecular consequence: synonymous variant. On other transcripts: non-coding transcript variant (1).
Genome position (GRCh38, 1-based): chrX:119,605,775, G>C on the plus strand (C>G on the coding strand, the complement: NKRF is on the minus strand). VCF-style: chrX-119605775-G-C. GRCh37 (hg19) VCF-style: chrX-118739738-G-C.
Other names: c.-61C>G (NM_017544.3); c.222C>G, p.Leu74= (NM_017544.5).
Identifiers: ClinVar variation 2661295 (VCV002661295.24), dbSNP rs901890792, ClinGen allele CA334980652.

ClinVar aggregate classification (germline): Likely benign (1 of 4 stars; one submission).

Allele frequency attached by ClinVar (database versions not stated): TOPMed 0.00002; gnomAD 0.00004; gnomAD exomes 0.00005.

Submission:

CeGaT Center for Human Genetics Tuebingen
Classification: Likely benign. Last evaluated: 2022-07-01. Review status: criteria provided, single submitter. Criteria: CeGaT Center For Human Genetics Tuebingen Variant Classification Criteria Version 2. Collection method: clinical testing. Allele origin: germline. Affected: yes. Observed: 1 variant allele.
Comment: NKRF: BP4, BP7